The following is an entry in ClinVar:

NM_016219.5(MAN1B1):c.1390A>G (p.Ser464Gly)

Gene: MAN1B1 (mannosidase alpha class 1B member 1; plus strand). Cytogenetic location: 9q34.3.
Variant type: single nucleotide variant.
Coding change: c.1390A>G on transcript NM_016219.5 (MANE Select); coding-DNA position 1390, A replaced by G.
Protein change: p.Ser464Gly; replaces serine 464 with glycine.
Molecular consequence: missense variant. On other transcripts: non-coding transcript variant (2).
Genome position (GRCh38, 1-based): chr9:137,106,260, A>G. VCF-style: chr9-137106260-A-G. GRCh37 (hg19) VCF-style: chr9-140000712-A-G.
Other names: c.1282A>G, p.Ser428Gly (NM_007230.1); short protein forms S428G, S464G.
Identifiers: ClinVar variation 1771538 (VCV001771538.2), dbSNP rs2538445914, ClinGen allele CA375655667.
Genomic context (GRCh38, chr9:137,106,260, plus strand): 5'-AATACCCACAGTGGCCTCTTCACCCACCTGGGCGTATTCACGCTGGGCGCCAGGGCCGAC[A>G]GCTACTATGAGTACCTGCTGAAGCAGTGGATCCAGGGCGGGAAGCAGGAGACACAGTGAG-3'
Protein context (NP_057303.2, residues 454-474): GVFTLGARAD[Ser464Gly]YYEYLLKQWI

ClinVar aggregate classification (germline): Uncertain significance (1 of 4 stars; one submission).

Conditions:
Inborn genetic diseases. Identifiers: MedGen C0950123, MeSH D030342.

Allele frequency attached by ClinVar (database versions not stated): gnomAD exomes below 0.00001.
gnomAD v4.1: 1 of 1,574,172 alleles (0.000064%); highest among the groups gnomAD compares: Non-Finnish European, 0.000086%; no homozygotes.

Submission:

Ambry Genetics
Classification: Uncertain significance for Inborn genetic diseases. Last evaluated: 2019-07-16. Review status: criteria provided, single submitter. Criteria: Ambry Variant Classification Scheme 2023. Collection method: clinical testing. Allele origin: germline.
Comment: The p.S464G variant (also known as c.1390A>G), located in coding exon 9 of the MAN1B1 gene, results from an A to G substitution at nucleotide position 1390. The serine at codon 464 is replaced by glycine, an amino acid with similar properties. This amino acid position is highly conserved in available vertebrate species. In addition, this alteration is predicted to be deleterious by in silico analysis. Since supporting evidence is limited at this time, the clinical significance of this alteration remains unclear.